The following is an entry in ClinVar:

NM_000264.5(PTCH1):c.2638G>A (p.Gly880Arg)

Gene: PTCH1 (patched 1; minus strand). Cytogenetic location: 9q22.32.
Variant type: single nucleotide variant.
Coding change: c.2638G>A on transcript NM_000264.5 (MANE Select); coding-DNA position 2638, G replaced by A.
Protein change: p.Gly880Arg; replaces glycine 880 with arginine.
Molecular consequence: missense variant. On other transcripts: non-coding transcript variant (1).
Genome position (GRCh38, 1-based): chr9:95,461,921, C>T on the plus strand (G>A on the coding strand, the complement: PTCH1 is on the minus strand). VCF-style: chr9-95461921-C-T. GRCh37 (hg19) VCF-style: chr9-98224203-C-T.
Other names: c.2440G>A, p.Gly814Arg (NM_001083602.3); c.2635G>A, p.Gly879Arg (NM_001083603.3); c.2185G>A, p.Gly729Arg (NM_001083604.3, NM_001083605.3, NM_001083606.3 and 1 more transcripts); c.2482G>A, p.Gly828Arg (NM_001354918.2); short protein forms G729R, G880R, G879R, G814R, G828R.
Identifiers: ClinVar variation 3939936 (VCV003939936.1).

ClinVar aggregate classification (germline): Uncertain significance (1 of 4 stars; one submission).

Conditions:
Hereditary cancer-predisposing syndrome. Also called: Tumor predisposition; Hereditary neoplastic syndrome; Hereditary Cancer Syndrome; Neoplastic Syndromes, Hereditary. Identifiers: Orphanet 140162, MedGen C0027672, MeSH D009386, MONDO:0015356.

Submission:

Ambry Genetics
Classification: Uncertain significance for Hereditary cancer-predisposing syndrome. Last evaluated: 2025-04-14. Review status: criteria provided, single submitter. Criteria: Ambry Variant Classification Scheme 2023. Collection method: clinical testing. Allele origin: germline.
Comment: The p.G880R variant (also known as c.2638G>A), located in coding exon 16 of the PTCH1 gene, results from a G to A substitution at nucleotide position 2638. The glycine at codon 880 is replaced by arginine, an amino acid with dissimilar properties. This amino acid position is well conserved in available vertebrate species. In addition, this alteration is predicted to be deleterious by in silico analysis. Based on the available evidence, the clinical significance of this variant remains unclear.